The following is an entry in ClinVar:

ClinVar aggregate classification (germline): Conflicting classifications of pathogenicity. Review status: criteria provided, conflicting classifications (1 of 4 stars). 3 submissions from 3 submitters: Uncertain significance (1); Likely benign (2). Last evaluated 2026-03-09.

Conditions:
Familial hypobetalipoproteinemia 1. Also called: Hypobetalipoproteinemia, normotriglyceridemic; Acanthocytosis with hypobetalipoproteinemia; APOB-Related Familial Hypobetalipoproteinemia. Identifiers: MedGen C4551990, MONDO:0014252, OMIM 615558.
Hypercholesterolemia, autosomal dominant, type B (FHCL2). Also called: Familial hypercholesterolemia 2; Familial Hypercholesterolemia Type B; APOLIPOPROTEIN B-100, FAMILIAL DEFECTIVE; APOLIPOPROTEIN B-100, FAMILIAL LIGAND-DEFECTIVE; HYPERCHOLESTEROLEMIA, FAMILIAL, DUE TO LIGAND-DEFECTIVE APOLIPOPROTEIN B; APOB-Related Familial Hypercholesterolemia, Autosomal Dominant. Identifiers: MedGen C1704417, MONDO:0007751, OMIM 144010.
Cardiovascular phenotype. Identifiers: MedGen CN230736.

Allele frequency attached by ClinVar (database versions not stated): gnomAD 0.00001; gnomAD exomes 0.00001; TOPMed 0.00002.
gnomAD v4.1: 10 of 1,613,956 alleles (0.00062%); highest among the groups gnomAD compares: African/African-American, 0.012%; no homozygotes.

Submissions (3):

Ambry Genetics
Classification: Likely benign for Cardiovascular phenotype. Last evaluated: 2026-03-09. Review status: criteria provided, single submitter. Criteria: Ambry Variant Classification Scheme 2023. Collection method: clinical testing. Allele origin: germline.

Quest Diagnostics Nichols Institute San Juan Capistrano
Classification: Uncertain significance. Last evaluated: 2024-12-19. Review status: criteria provided, single submitter. Criteria: Quest Diagnostics criteria. Collection method: clinical testing. Allele origin: unknown.
Comment: The APOB c.9830C>T (p.Ala3277Val) variant has not been reported in individuals with APOB-related conditions in the published literature. The frequency of this variant in the general population (Genome Aggregation Database) is uninformative in the assessment of its pathogenicity. Analysis of this variant using bioinformatics tools for the prediction of the effect of amino acid changes on protein structure and function yielded predictions that this variant is benign. Based on the available information, we are unable to determine the clinical significance of this variant.

Labcorp Genetics (formerly Invitae), Labcorp
Classification: Likely benign for Familial hypobetalipoproteinemia 1; Hypercholesterolemia, autosomal dominant, type B. Last evaluated: 2024-11-15. Review status: criteria provided, single submitter. Criteria: Invitae Variant Classification Sherloc (09022015). Collection method: clinical testing. Allele origin: germline.

NM_000384.3(APOB):c.9830C>T (p.Ala3277Val)

Gene: APOB (apolipoprotein B; minus strand). Cytogenetic location: 2p24.1.
Variant type: single nucleotide variant.
Coding change: c.9830C>T on transcript NM_000384.3 (MANE Select); coding-DNA position 9830, C replaced by T.
Protein change: p.Ala3277Val; replaces alanine 3277 with valine.
Molecular consequence: missense variant.
Genome position (GRCh38, 1-based): chr2:21,007,038, G>A on the plus strand (C>T on the coding strand, the complement: APOB is on the minus strand). VCF-style: chr2-21007038-G-A. GRCh37 (hg19) VCF-style: chr2-21229910-G-A.
Other names: short protein forms A3277V.
Identifiers: ClinVar variation 2340063 (VCV002340063.7), dbSNP rs907962079, ClinGen allele CA43496915.
Genomic context (GRCh38, chr2:21,007,038, plus strand): 5'-AATGTGTATGAAGGCACACGGACGTCAGAACCTAGGATGGAGAAACTAGGCATGCTGACT[G>A]CTTTTGGGAACACATAGCCGAATGCCGACATCTCTATGGTGAATGGAGACACTTCAACAT-3'
Protein context (NP_000375.3, residues 3267-3287): MSAFGYVFPK[Ala3277Val]VSMPSFSILG